The following is an entry in ClinVar:

NM_199420.4(POLQ):c.902C>T (p.Ser301Phe)

Gene: POLQ (DNA polymerase theta; minus strand). Cytogenetic location: 3q13.33.
Variant type: single nucleotide variant.
Coding change: c.902C>T on transcript NM_199420.4 (MANE Select); coding-DNA position 902, C replaced by T.
Protein change: p.Ser301Phe; replaces serine 301 with phenylalanine.
Molecular consequence: missense variant.
Genome position (GRCh38, 1-based): chr3:121,533,048, G>A on the plus strand (C>T on the coding strand, the complement: POLQ is on the minus strand). VCF-style: chr3-121533048-G-A. GRCh37 (hg19) VCF-style: chr3-121251895-G-A.
Other names: short protein forms S301F.
Identifiers: ClinVar variation 3422513 (VCV003422513.1).

ClinVar aggregate classification (germline): Uncertain significance (1 of 4 stars; one submission).

Submission:

Ambry Genetics
Classification: Uncertain significance. Last evaluated: 2024-08-24. Review status: criteria provided, single submitter. Criteria: Ambry Variant Classification Scheme 2023. Collection method: clinical testing. Allele origin: germline.
Comment: The p.S301F variant (also known as c.902C>T), located in coding exon 6 of the POLQ gene, results from a C to T substitution at nucleotide position 902. The serine at codon 301 is replaced by phenylalanine, an amino acid with highly dissimilar properties. This amino acid position is conserved. In addition, this alteration is predicted to be tolerated by in silico analysis. Based on the available evidence, the clinical significance of this variant remains unclear.